The following is an entry in ClinVar:

ClinVar aggregate classification (germline): Pathogenic/Likely pathogenic. Review status: criteria provided, multiple submitters, no conflicts (2 of 4 stars). 3 submissions from 3 submitters: Pathogenic (1); Likely pathogenic (1). 1 of the submissions does not count toward it. Last evaluated 2025-09-02.

Conditions:
COL2A1-related disorder. Also called: COL2A1-related condition; COL2A1-related disorders.
Spondyloepimetaphyseal dysplasia, Strudwick type (SEMDSTWK). Also called: DAPPLED METAPHYSIS SYNDROME; STRUDWICK SYNDROME. Identifiers: Orphanet 93346, MedGen C0700635, MONDO:0008476, OMIM 184250.

Submissions (3):

Labcorp Genetics (formerly Invitae), Labcorp
Classification: Pathogenic. Last evaluated: 2025-09-02. Review status: criteria provided, single submitter. Criteria: Invitae Variant Classification Sherloc (09022015). Collection method: clinical testing. Allele origin: germline.
Comment: This sequence change replaces arginine, which is basic and polar, with glycine, which is neutral and non-polar, at codon 992 of the COL2A1 protein (p.Arg992Gly). This variant is not present in population databases (gnomAD no frequency). This missense change has been observed in individual(s) with clinical features of spondyloepimetaphyseal dysplasia (PMID: 16088915, 35052477). In at least one individual the variant was observed to be de novo. This variant is also known as p.Arg792Gly. ClinVar contains an entry for this variant (Variation ID: 17397). Invitae Evidence Modeling of protein sequence and biophysical properties (such as structural, functional, and spatial information, amino acid conservation, physicochemical variation, residue mobility, and thermodynamic stability) indicates that this missense variant is expected to disrupt COL2A1 protein function with a positive predictive value of 95%. For these reasons, this variant has been classified as Pathogenic.

Blueprint Genetics
Classification: Likely pathogenic for COL2A1-related disorders. Last evaluated: 2024-09-24. Review status: criteria provided, single submitter. Criteria: ACMG Guidelines, 2015. Collection method: clinical testing. Allele origin: germline. Affected: yes. Observed: 1 variant allele.

OMIM
Classification: Pathogenic for SPONDYLOEPIMETAPHYSEAL DYSPLASIA, STRUDWICK TYPE. Last evaluated: 2005-09-01. Review status: no assertion criteria provided. Collection method: literature only. Allele origin: germline. Not counted in ClinVar's aggregate classification.

Literature cited by the submitters: PubMed 16088915 (cited by Labcorp Genetics (formerly Invitae), Labcorp and OMIM); PubMed 35052477 (cited by Labcorp Genetics (formerly Invitae), Labcorp).

NM_001844.5(COL2A1):c.2974A>G (p.Arg992Gly)

Gene: COL2A1 (collagen type II alpha 1 chain; minus strand). Cytogenetic location: 12q13.11.
Variant type: single nucleotide variant.
Coding change: c.2974A>G on transcript NM_001844.5 (MANE Select); coding-DNA position 2974, A replaced by G.
Protein change: p.Arg992Gly; replaces arginine 992 with glycine.
Molecular consequence: missense variant.
Genome position (GRCh38, 1-based): chr12:47,978,320, T>C on the plus strand (A>G on the coding strand, the complement: COL2A1 is on the minus strand). VCF-style: chr12-47978320-T-C. GRCh37 (hg19) VCF-style: chr12-48372103-T-C.
Other names: R792G; c.2767A>G, p.Arg923Gly (NM_033150.3); short protein forms R923G, R992G.
Identifiers: ClinVar variation 17397 (VCV000017397.11), dbSNP rs121912895, ClinGen allele CA250688.